The following is an entry in ClinVar:

NM_022124.6(CDH23):c.961G>A (p.Asp321Asn)

Gene: CDH23 (cadherin related 23; plus strand). Cytogenetic location: 10q22.1.
Variant type: single nucleotide variant.
Coding change: c.961G>A on transcript NM_022124.6 (MANE Select); coding-DNA position 961, G replaced by A.
Protein change: p.Asp321Asn; replaces aspartic acid 321 with asparagine.
Molecular consequence: missense variant.
Genome position (GRCh38, 1-based): chr10:71,617,220, G>A. VCF-style: chr10-71617220-G-A. GRCh37 (hg19) VCF-style: chr10-73376977-G-A.
Other names: c.961G>A, p.Asp321Asn (NM_001171930.2, NM_001171931.2, NM_001171932.2 and 1 more transcripts); c.961G>A (NM_022124.5); short protein forms D321N.
Identifiers: ClinVar variation 1413650 (VCV001413650.6), dbSNP rs1195617689, ClinGen allele CA377121948.

ClinVar aggregate classification (germline): Uncertain significance. Review status: criteria provided, multiple submitters, no conflicts (2 of 4 stars). 2 submissions from 2 submitters: Uncertain significance (2). Last evaluated 2025-09-28.

Conditions:
Inborn genetic diseases. Identifiers: MedGen C0950123, MeSH D030342.

Allele frequency attached by ClinVar (database versions not stated): gnomAD exomes 0.00001 and below 0.00001; TOPMed 0.00001.
gnomAD v4.1: 13 of 1,613,728 alleles (0.00081%); highest among the groups gnomAD compares: South Asian, 0.0022%; no homozygotes.

Submissions (2):

Ambry Genetics
Classification: Uncertain significance for Inborn genetic diseases. Last evaluated: 2025-09-28. Review status: criteria provided, single submitter. Criteria: Ambry Variant Classification Scheme 2023. Collection method: clinical testing. Allele origin: germline.

Labcorp Genetics (formerly Invitae), Labcorp
Classification: Uncertain significance. Last evaluated: 2022-03-11. Review status: criteria provided, single submitter. Criteria: Invitae Variant Classification Sherloc (09022015). Collection method: clinical testing. Allele origin: germline.
Comment: This sequence change replaces aspartic acid, which is acidic and polar, with asparagine, which is neutral and polar, at codon 321 of the CDH23 protein (p.Asp321Asn). This variant is present in population databases (no rsID available, gnomAD 0.003%). This variant has not been reported in the literature in individuals affected with CDH23-related conditions. Algorithms developed to predict the effect of missense changes on protein structure and function are either unavailable or do not agree on the potential impact of this missense change (SIFT: "Deleterious"; PolyPhen-2: "Not Available"; Align-GVGD: "Class C15"). In summary, the available evidence is currently insufficient to determine the role of this variant in disease. Therefore, it has been classified as a Variant of Uncertain Significance.